The following is an entry in ClinVar:

NM_001384900.1(SEMA3D):c.263A>G (p.Asp88Gly)

Gene: SEMA3D (semaphorin 3D; minus strand). Cytogenetic location: 7q21.11.
Variant type: single nucleotide variant.
Coding change: c.263A>G on transcript NM_001384900.1 (MANE Select); coding-DNA position 263, A replaced by G.
Protein change: p.Asp88Gly; replaces aspartic acid 88 with glycine.
Molecular consequence: missense variant.
Genome position (GRCh38, 1-based): chr7:85,097,854, T>C on the plus strand (A>G on the coding strand, the complement: SEMA3D is on the minus strand). VCF-style: chr7-85097854-T-C. GRCh37 (hg19) VCF-style: chr7-84727170-T-C.
Other names: c.263A>G, p.Asp88Gly (NM_001384901.1, NM_001384902.1, NM_001384903.1 and 1 more transcripts); short protein forms D88G.
Identifiers: ClinVar variation 4978736 (VCV004978736.1).
Genomic context (GRCh38, chr7:85,097,854, plus strand): 5'-AATATACTGACCTTCTTAAAATTTTTGTTTAAGTCAACCAGACTGAGTAGAAAGATGTGG[T>C]CTTTGGCTCCCAAGAGCAGCCTGCCTCTTTCCTCATCTAAGAGAAGAGTTTGAAAATCCA-3'
Protein context (NP_001371829.1, residues 78-98): ERGRLLLGAK[Asp88Gly]HIFLLSLVDL

ClinVar aggregate classification (germline): Uncertain significance (1 of 4 stars; one submission).

Conditions:
SEMA3D-related disorder. Also called: SEMA3D-related condition.

gnomAD v4.1: 56 of 1,609,104 alleles (0.0035%); highest among the groups gnomAD compares: Non-Finnish European, 0.0047%; no homozygotes.

Submission:

PreventionGenetics, part of Exact Sciences
Classification: Uncertain significance for SEMA3D-related condition. Last evaluated: 2025-11-22. Review status: criteria provided, single submitter. Criteria: ACMG Guidelines, 2015. Collection method: clinical testing. Allele origin: germline.
Comment: The SEMA3D c.263A>G variant is predicted to result in the amino acid substitution p.Asp88Gly. To our knowledge, this variant has not been reported in the literature. This variant is reported in 0.0035% of alleles in individuals of European (Non-Finnish) descent in gnomAD. At this time, the clinical significance of this variant is uncertain due to the absence of conclusive functional and genetic evidence.